The following is an entry in ClinVar:

ClinVar aggregate classification (germline): Conflicting classifications of pathogenicity. Review status: criteria provided, conflicting classifications (1 of 4 stars). 3 submissions from 3 submitters: Uncertain significance (1); Likely benign (2). Last evaluated 2025-06-01.

Conditions:
Inborn genetic diseases. Identifiers: MedGen C0950123, MeSH D030342.

Allele frequency attached by ClinVar (database versions not stated): ExAC 0.00006; ESP Exome Variant Server 0.00008; gnomAD exomes 0.00013.
gnomAD v4.1: 202 of 1,613,754 alleles (0.013%); highest among the groups gnomAD compares: Middle Eastern, 0.033%; no homozygotes.

Submissions (3):

Labcorp Genetics (formerly Invitae), Labcorp
Classification: Uncertain significance. Last evaluated: 2025-06-01. Review status: criteria provided, single submitter. Criteria: Invitae Variant Classification Sherloc (09022015). Collection method: clinical testing. Allele origin: germline.
Comment: This sequence change replaces aspartic acid, which is acidic and polar, with asparagine, which is neutral and polar, at codon 161 of the EPAS1 protein (p.Asp161Asn). This variant is present in population databases (rs141965374, gnomAD 0.01%). This variant has not been reported in the literature in individuals affected with EPAS1-related conditions. ClinVar contains an entry for this variant (Variation ID: 2456328). An algorithm developed to predict the effect of missense changes on protein structure and function (PolyPhen-2) suggests that this variant is likely to be disruptive. In summary, the available evidence is currently insufficient to determine the role of this variant in disease. Therefore, it has been classified as a Variant of Uncertain Significance.

CeGaT Center for Human Genetics Tuebingen
Classification: Likely benign. Last evaluated: 2025-04-01. Review status: criteria provided, single submitter. Criteria: CeGaT Center For Human Genetics Tuebingen Variant Classification Criteria Version 2. Collection method: clinical testing. Allele origin: germline. Affected: yes. Observed: 1 variant allele.
Comment: EPAS1: BP4, BS2

Ambry Genetics
Classification: Likely benign for Inborn genetic diseases. Last evaluated: 2023-02-27. Review status: criteria provided, single submitter. Criteria: Ambry Variant Classification Scheme 2023. Collection method: clinical testing. Allele origin: germline.

NM_001430.5(EPAS1):c.481G>A (p.Asp161Asn)

Genes: EPAS1 (endothelial PAS domain protein 1; plus strand), LOC126806210 (BRD4-independent group 4 enhancer GRCh37_chr2:46587586-46588785; plus strand). Cytogenetic location: 2p21.
Variant type: single nucleotide variant.
Coding change: c.481G>A on transcript NM_001430.5 (MANE Select); coding-DNA position 481, G replaced by A.
Protein change: p.Asp161Asn; replaces aspartic acid 161 with asparagine.
Molecular consequence: missense variant.
Genome position (GRCh38, 1-based): chr2:46,360,664, G>A. VCF-style: chr2-46360664-G-A. GRCh37 (hg19) VCF-style: chr2-46587803-G-A.
Other names: short protein forms D161N.
Identifiers: ClinVar variation 2456328 (VCV002456328.11), dbSNP rs141965374, ClinGen allele CA1644664.